The following is an entry in ClinVar:

NM_004991.4(MECOM):c.1969G>T (p.Ala657Ser)

Gene: MECOM (MDS1 and EVI1 complex locus; minus strand). Cytogenetic location: 3q26.2.
Variant type: single nucleotide variant.
Coding change: c.1969G>T on transcript NM_004991.4 (MANE Select); coding-DNA position 1969, G replaced by T.
Protein change: p.Ala657Ser; replaces alanine 657 with serine.
Molecular consequence: missense variant. On other transcripts: intron variant (2).
Genome position (GRCh38, 1-based): chr3:169,115,903, C>A on the plus strand (G>T on the coding strand, the complement: MECOM is on the minus strand). VCF-style: chr3-169115903-C-A. GRCh37 (hg19) VCF-style: chr3-168833691-C-A.
Other names: c.1600G>T, p.Ala534Ser (NM_001105077.4); c.1405G>T, p.Ala469Ser (NM_001105078.4, NM_001164000.2, NM_001205194.2 and 4 more transcripts); c.1408G>T, p.Ala470Ser (NM_001163999.2, NM_001366467.2, NM_001366468.2 and 1 more transcripts); c.1969G>T, p.Ala657Ser (NM_001366466.2); c.1133-136G>T (NM_001366473.2); c.569-136G>T (NM_001366474.2); short protein forms A469S, A534S, A657S, A470S.
Identifiers: ClinVar variation 4624730 (VCV004624730.1).

ClinVar aggregate classification (germline): Uncertain significance (1 of 4 stars; one submission).

Conditions:
Inborn genetic diseases. Identifiers: MedGen C0950123, MeSH D030342.

gnomAD v4.1: 1 of 1,614,088 alleles (0.000062%); highest among the groups gnomAD compares: Non-Finnish European, 0.000085%; no homozygotes.

Submission:

Ambry Genetics
Classification: Uncertain significance for Inborn genetic diseases. Last evaluated: 2025-12-03. Review status: criteria provided, single submitter. Criteria: Ambry Variant Classification Scheme 2023. Collection method: clinical testing. Allele origin: germline.
Comment: The p.A657S variant (also known as c.1969G>T), located in coding exon 8 of the MECOM gene, results from a G to T substitution at nucleotide position 1969. The alanine at codon 657 is replaced by serine, an amino acid with similar properties. This amino acid position is conserved. In addition, this alteration is predicted to be tolerated by in silico analysis. Based on the available evidence, the clinical significance of this variant remains unclear.